The following is an entry in ClinVar:

NM_000693.4(ALDH1A3):c.1393A>T (p.Ile465Phe)

Genes: ALDH1A3 (aldehyde dehydrogenase 1 family member A3; plus strand), ALDH1A3-AS1 (ALDH1A3 antisense RNA 1; minus strand). Cytogenetic location: 15q26.3.
Variant type: single nucleotide variant.
Coding change: c.1393A>T on transcript NM_000693.4 (MANE Select); coding-DNA position 1393, A replaced by T.
Protein change: p.Ile465Phe; replaces isoleucine 465 with phenylalanine.
Molecular consequence: missense variant.
Genome position (GRCh38, 1-based): chr15:100,908,409, A>T. VCF-style: chr15-100908409-A-T. GRCh37 (hg19) VCF-style: chr15-101448614-A-T.
Other names: c.1072A>T, p.Ile358Phe (NM_001293815.2); short protein forms I358F, I465F.
Identifiers: ClinVar variation 1802997 (VCV001802997.2), dbSNP rs2505576274, ClinGen allele CA393947999.

ClinVar aggregate classification (germline): Uncertain significance (1 of 4 stars; one submission).

Conditions:
Isolated microphthalmia 8. Identifiers: Orphanet 2542, MedGen C3554524, MONDO:0014050, OMIM 615113.

Submission:

Molecular Genetics of Human Eye Development, Oxford Brookes University
Classification: Uncertain significance for Isolated microphthalmia 8. Last evaluated: 2022-09-01. Review status: criteria provided, single submitter. Criteria: ACMG Guidelines, 2015. Collection method: research. Allele origin: inherited. Affected: yes. Observed: 2 variant alleles.
Comment: compound heterozygous with NM_000693.4:c.874G>T

Literature cited by the submitters: PubMed 30653986.